The following is an entry in ClinVar:

ClinVar aggregate classification (germline): Uncertain significance (1 of 4 stars; one submission).

gnomAD v4.1: 56 of 1,209,198 alleles (0.0046%); highest among the groups gnomAD compares: Non-Finnish European, 0.0061%; no homozygotes.

Submission:

Ambry Genetics
Classification: Uncertain significance. Last evaluated: 2026-05-12. Review status: criteria provided, single submitter. Criteria: Ambry Variant Classification Scheme 2023. Collection method: clinical testing. Allele origin: germline.
Comment: The c.859G>C (p.E287Q) alteration is located in exon 7 (coding exon 7) of the ATP1B4 gene. This alteration results from a G to C substitution at nucleotide position 859, causing the glutamic acid (E) at amino acid position 287 to be replaced by a glutamine (Q). Based on data from gnomAD, the C allele has an overall frequency of 0.001% (2/183318) total alleles studied. The highest observed frequency was 0.002% (2/81844) of European (non-Finnish) alleles. Based on insufficient or conflicting evidence, the clinical significance of this alteration remains unclear.

NM_001142447.3(ATP1B4):c.859G>C (p.Glu287Gln)

Gene: ATP1B4 (ATPase Na+/K+ transporting family member beta 4; plus strand). Cytogenetic location: Xq24.
Variant type: single nucleotide variant.
Coding change: c.859G>C on transcript NM_001142447.3 (MANE Select); coding-DNA position 859, G replaced by C.
Protein change: p.Glu287Gln; replaces glutamic acid 287 with glutamine.
Molecular consequence: missense variant.
Genome position (GRCh38, 1-based): chrX:120,378,720, G>C. VCF-style: chrX-120378720-G-C. GRCh37 (hg19) VCF-style: chrX-119512575-G-C.
Other names: c.847G>C, p.Glu283Gln (NM_012069.5); short protein forms E283Q, E287Q.
Identifiers: ClinVar variation 4867131 (VCV004867131.1).